The following is an entry in ClinVar:

NM_170682.4(P2RX2):c.727T>C (p.Phe243Leu)

Gene: P2RX2 (purinergic receptor P2X 2; plus strand). Cytogenetic location: 12q24.33.
Variant type: single nucleotide variant.
Coding change: c.727T>C on transcript NM_170682.4 (MANE Select); coding-DNA position 727, T replaced by C.
Protein change: p.Phe243Leu; replaces phenylalanine 243 with leucine.
Molecular consequence: missense variant.
Genome position (GRCh38, 1-based): chr12:132,620,536, T>C. VCF-style: chr12-132620536-T-C. GRCh37 (hg19) VCF-style: chr12-133197122-T-C.
Other names: c.620T>C, p.Leu207Pro (NM_001282164.2); c.727T>C, p.Phe243Leu (NM_001282165.2, NM_170683.4, NM_174873.3); c.511T>C, p.Phe171Leu (NM_012226.5); c.655T>C, p.Phe219Leu (NM_016318.4); c.451T>C, p.Phe151Leu (NM_174872.3); c.727T>C (NM_170683.2); short protein forms F151L, F171L, F219L, F243L, L207P.
Identifiers: ClinVar variation 1687705 (VCV001687705.10), dbSNP rs149982621, ClinGen allele CA6891627.

ClinVar aggregate classification (germline): Conflicting classifications of pathogenicity. Review status: criteria provided, conflicting classifications (1 of 4 stars). 4 submissions from 4 submitters: Uncertain significance (3); Likely benign (1). Last evaluated 2025-06-03.

Allele frequency attached by ClinVar (database versions not stated): ExAC 0.00007; gnomAD 0.00008 and 0.00009; gnomAD exomes 0.00008 and 0.00012; TOPMed 0.00015; ESP Exome Variant Server 0.00023.

Submissions (4):

Labcorp Genetics (formerly Invitae), Labcorp
Classification: Uncertain significance. Last evaluated: 2025-06-03. Review status: criteria provided, single submitter. Criteria: Invitae Variant Classification Sherloc (09022015). Collection method: clinical testing. Allele origin: germline.
Comment: This sequence change replaces phenylalanine, which is neutral and non-polar, with leucine, which is neutral and non-polar, at codon 243 of the P2RX2 protein (p.Phe243Leu). This variant is present in population databases (rs149982621, gnomAD 0.01%). This variant has not been reported in the literature in individuals affected with P2RX2-related conditions. ClinVar contains an entry for this variant (Variation ID: 1687705). Invitae Evidence Modeling of protein sequence and biophysical properties (such as structural, functional, and spatial information, amino acid conservation, physicochemical variation, residue mobility, and thermodynamic stability) has been performed for this missense variant. However, the output from this modeling did not meet the statistical confidence thresholds required to predict the impact of this variant on P2RX2 protein function. In summary, the available evidence is currently insufficient to determine the role of this variant in disease. Therefore, it has been classified as a Variant of Uncertain Significance.

GeneDx
Classification: Uncertain significance. Last evaluated: 2024-11-11. Review status: criteria provided, single submitter. Criteria: GeneDx Variant Classification Process June 2021. Collection method: clinical testing. Allele origin: germline. Affected: yes.
Comment: In silico analysis supports that this missense variant has a deleterious effect on protein structure/function; Has not been previously published as pathogenic or benign to our knowledge

Blueprint Genetics
Classification: Likely benign. Last evaluated: 2024-11-07. Review status: criteria provided, single submitter. Criteria: ACMG Guidelines, 2015. Collection method: clinical testing. Allele origin: germline.

Ambry Genetics
Classification: Uncertain significance. Last evaluated: 2024-10-17. Review status: criteria provided, single submitter. Criteria: Ambry Variant Classification Scheme 2023. Collection method: clinical testing. Allele origin: germline.